The following is an entry in ClinVar:

ClinVar aggregate classification (germline): Benign (1 of 4 stars; one submission).

Allele frequency attached by ClinVar (database versions not stated): 1000 Genomes Project 0.25679; 1000 Genomes Project 30x 0.26405; gnomAD 0.31774; TOPMed 0.32711.
gnomAD v4.1: 411,098 of 1,440,342 alleles (29%); highest among the groups gnomAD compares: African/African-American, 46%; 63,399 homozygotes.

Submission:

Unidad de Genómica Garrahan, Hospital de Pediatría Garrahan
Classification: Benign. Last evaluated: 2024-01-24. Review status: criteria provided, single submitter. Criteria: ACMG Guidelines, 2015. Collection method: clinical testing. Allele origin: germline. Affected: no. Observed: 39 variant alleles.
Comment: This variant is classified as Benign based on local population frequency. This variant was detected in 41% of patients studied by a panel of primary immunodeficiencies. Number of patients: 39. Only high quality variants are reported.

NM_005337.5(NCKAP1L):c.2375+61G>A

Gene: NCKAP1L (NCK associated protein 1 like; plus strand). Cytogenetic location: 12q13.2.
Variant type: single nucleotide variant.
Coding change: c.2375+61G>A on transcript NM_005337.5 (MANE Select); 61 bases into the intron after coding-DNA position 2375, G replaced by A.
Molecular consequence: intron variant.
Genome position (GRCh38, 1-based): chr12:54,526,807, G>A. VCF-style: chr12-54526807-G-A. GRCh37 (hg19) VCF-style: chr12-54920591-G-A.
Other names: c.2225+61G>A (NM_001184976.2).
Identifiers: ClinVar variation 2688179 (VCV002688179.2), dbSNP rs12367426, ClinGen allele CA13688212.
Genomic context (GRCh38, chr12:54,526,807, plus strand): 5'-GTCAGTGTTGCTTAGGCTTTTCCACTGCCTTACTTTGTGTTGGCACTTTTTCCTTTACAC[G>A]GTAGGACCTCAGGGCCCGAGCATTTTAGCTCCCAGGGTCATAGACTCCAAAATGGAGGGT-3'